The following is an entry in ClinVar:

ClinVar aggregate classification (germline): Uncertain significance (1 of 4 stars; one submission).

Conditions:
Norman-Roberts syndrome (LIS2). Also called: Lissencephaly 2 (Norman-Roberts type). Identifiers: Orphanet 89844, MedGen C0796089, MONDO:0009760, OMIM 257320.
Familial temporal lobe epilepsy 7. Identifiers: Orphanet 101046, MedGen C4225327, MONDO:0014639, OMIM 616436.

Allele frequency attached by ClinVar (database versions not stated): gnomAD exomes below 0.00001; TOPMed below 0.00001; gnomAD 0.00001.
gnomAD v4.1: 5 of 1,613,994 alleles (0.00031%); highest among the groups gnomAD compares: South Asian, 0.0011%; no homozygotes.

Submission:

Labcorp Genetics (formerly Invitae), Labcorp
Classification: Uncertain significance for Familial temporal lobe epilepsy 7; Norman-Roberts syndrome. Last evaluated: 2024-06-03. Review status: criteria provided, single submitter. Criteria: Invitae Variant Classification Sherloc (09022015). Collection method: clinical testing. Allele origin: germline.
Comment: This sequence change replaces proline, which is neutral and non-polar, with leucine, which is neutral and non-polar, at codon 1580 of the RELN protein (p.Pro1580Leu). This variant is present in population databases (no rsID available, gnomAD 0.007%). This variant has not been reported in the literature in individuals affected with RELN-related conditions. ClinVar contains an entry for this variant (Variation ID: 1396152). Advanced modeling of protein sequence and biophysical properties (such as structural, functional, and spatial information, amino acid conservation, physicochemical variation, residue mobility, and thermodynamic stability) performed at Invitae indicates that this missense variant is not expected to disrupt RELN protein function with a negative predictive value of 80%. In summary, the available evidence is currently insufficient to determine the role of this variant in disease. Therefore, it has been classified as a Variant of Uncertain Significance.

NM_005045.4(RELN):c.4739C>T (p.Pro1580Leu)

Gene: RELN (reelin; minus strand). Cytogenetic location: 7q22.1.
Variant type: single nucleotide variant.
Coding change: c.4739C>T on transcript NM_005045.4 (MANE Select); coding-DNA position 4739, C replaced by T.
Protein change: p.Pro1580Leu; replaces proline 1580 with leucine.
Molecular consequence: missense variant.
Genome position (GRCh38, 1-based): chr7:103,566,609, G>A on the plus strand (C>T on the coding strand, the complement: RELN is on the minus strand). VCF-style: chr7-103566609-G-A. GRCh37 (hg19) VCF-style: chr7-103207056-G-A.
Other names: c.4739C>T, p.Pro1580Leu (NM_173054.3); short protein forms P1580L.
Identifiers: ClinVar variation 1396152 (VCV001396152.6), dbSNP rs1488556290, ClinGen allele CA368748350.